The following is an entry in ClinVar:

NM_018117.12(WDR11):c.2046C>T (p.Thr682=)

Gene: WDR11 (WD repeat domain 11; plus strand). Cytogenetic location: 10q26.12.
Variant type: single nucleotide variant.
Coding change: c.2046C>T on transcript NM_018117.12 (MANE Select); coding-DNA position 2046, C replaced by T.
Protein change: p.Thr682=; no amino-acid change (threonine 682 retained).
Molecular consequence: synonymous variant.
Genome position (GRCh38, 1-based): chr10:120,886,761, C>T. VCF-style: chr10-120886761-C-T. GRCh37 (hg19) VCF-style: chr10-122646273-C-T.
Identifiers: ClinVar variation 3056425 (VCV003056425.3), dbSNP rs371965693, ClinGen allele CA5719905.

ClinVar aggregate classification (germline): Likely benign. Review status: criteria provided, single submitter (1 of 4 stars). 2 submissions from 2 submitters: Likely benign (1). 1 of the submissions does not count toward it. Last evaluated 2024-10-08.

Conditions:
WDR11-related disorder. Also called: WDR11-related condition.

Allele frequency attached by ClinVar (database versions not stated): ExAC 0.00002; gnomAD 0.00004; gnomAD exomes 0.00004; TOPMed 0.00004; ESP Exome Variant Server 0.00008.
gnomAD v4.1: 57 of 1,613,760 alleles (0.0035%); highest among the groups gnomAD compares: Non-Finnish European, 0.0045%; 1 homozygote.

Submissions (2):

Blueprint Genetics
Classification: Likely benign. Last evaluated: 2024-10-08. Review status: criteria provided, single submitter. Criteria: ACMG Guidelines, 2015. Collection method: clinical testing. Allele origin: germline.

PreventionGenetics, part of Exact Sciences
Classification: Likely benign for WDR11-related condition. Last evaluated: 2021-09-07. Review status: no assertion criteria provided. Collection method: clinical testing. Allele origin: germline. Not counted in ClinVar's aggregate classification.
Comment: This variant is classified as likely benign based on ACMG/AMP sequence variant interpretation guidelines (Richards et al. 2015 PMID: 25741868, with internal and published modifications).